The following is an entry in ClinVar:

NM_000059.4(BRCA2):c.7367A>G (p.Gln2456Arg)

Gene: BRCA2 (BRCA2 DNA repair associated; plus strand). Cytogenetic location: 13q13.1.
Variant type: single nucleotide variant.
Coding change: c.7367A>G on transcript NM_000059.4 (MANE Select); coding-DNA position 7367, A replaced by G.
Protein change: p.Gln2456Arg; replaces glutamine 2456 with arginine.
Molecular consequence: missense variant.
Genome position (GRCh38, 1-based): chr13:32,355,220, A>G. VCF-style: chr13-32355220-A-G. GRCh37 (hg19) VCF-style: chr13-32929357-A-G.
Other names: short protein forms Q2456R.
Identifiers: ClinVar variation 531390 (VCV000531390.13), dbSNP rs1555286090, ClinGen allele CA387741549.
Genomic context (GRCh38, chr13:32,355,220, plus strand): 5'-ACATTGATGGACATGGCTCTGATGATAGTAAAAATAAGATTAATGACAATGAGATTCATC[A>G]GTTTAACAAAAACAACTCCAATCAAGCAGTAGCTGTAACTTTCACAAAGTGTGAAGAAGA-3'
Protein context (NP_000050.3, residues 2446-2466): KNKINDNEIH[Gln2456Arg]FNKNNSNQAV

ClinVar aggregate classification (germline): Uncertain significance. Review status: criteria provided, multiple submitters, no conflicts (2 of 4 stars). 2 submissions from 2 submitters: Uncertain significance (2). Last evaluated 2024-06-30.

Conditions:
Hereditary breast ovarian cancer syndrome. Also called: Hereditary breast and ovarian cancer syndrome (HBOC); BRCA1- and BRCA2-Associated Hereditary Breast and Ovarian Cancer; Hereditary breast and ovarian cancer syndrome; Breast and ovarian cancer; Hereditary breast and ovarian cancer; Hereditary breast and/or ovarian cancer syndrome. Identifiers: Orphanet 145, MedGen C0677776, MeSH D061325, MONDO:0003582. Disease mechanism: loss of function.
Hereditary cancer-predisposing syndrome. Also called: Hereditary neoplastic syndrome; Neoplastic Syndromes, Hereditary; Tumor predisposition; Hereditary Cancer Syndrome. Identifiers: Orphanet 140162, MedGen C0027672, MeSH D009386, MONDO:0015356.

Submissions (2):

Labcorp Genetics (formerly Invitae), Labcorp
Classification: Uncertain significance for Hereditary breast ovarian cancer syndrome. Last evaluated: 2024-06-30. Review status: criteria provided, single submitter. Criteria: Invitae Variant Classification Sherloc (09022015). Collection method: clinical testing. Allele origin: germline.
Comment: This sequence change replaces glutamine, which is neutral and polar, with arginine, which is basic and polar, at codon 2456 of the BRCA2 protein (p.Gln2456Arg). This variant is not present in population databases (gnomAD no frequency). This variant has not been reported in the literature in individuals affected with BRCA2-related conditions. ClinVar contains an entry for this variant (Variation ID: 531390). Advanced modeling of protein sequence and biophysical properties (such as structural, functional, and spatial information, amino acid conservation, physicochemical variation, residue mobility, and thermodynamic stability) performed at Invitae indicates that this missense variant is not expected to disrupt BRCA2 protein function with a negative predictive value of 95%. In summary, the available evidence is currently insufficient to determine the role of this variant in disease. Therefore, it has been classified as a Variant of Uncertain Significance.

Ambry Genetics
Classification: Uncertain significance for Hereditary cancer-predisposing syndrome. Last evaluated: 2021-11-15. Review status: criteria provided, single submitter. Criteria: Ambry Variant Classification Scheme 2023. Collection method: clinical testing. Allele origin: germline.
Comment: The p.Q2456R variant (also known as c.7367A>G), located in coding exon 13 of the BRCA2 gene, results from an A to G substitution at nucleotide position 7367. The glutamine at codon 2456 is replaced by arginine, an amino acid with highly similar properties. This amino acid position is not well conserved in available vertebrate species. In addition, this alteration is predicted to be tolerated by in silico analysis. Since supporting evidence is limited at this time, the clinical significance of this alteration remains unclear.